The following is an entry in ClinVar:

ClinVar aggregate classification (germline): Uncertain significance (1 of 4 stars; one submission).

Allele frequency attached by ClinVar (database versions not stated): gnomAD exomes below 0.00001.
gnomAD v4.1: 3 of 1,613,888 alleles (0.00019%); highest among the groups gnomAD compares: Non-Finnish European, 0.000085%; no homozygotes.

Submission:

Labcorp Genetics (formerly Invitae), Labcorp
Classification: Uncertain significance. Last evaluated: 2022-05-03. Review status: criteria provided, single submitter. Criteria: Invitae Variant Classification Sherloc (09022015). Collection method: clinical testing. Allele origin: germline.
Comment: This sequence change affects codon 1183 of the COL7A1 mRNA. It is a 'silent' change, meaning that it does not change the encoded amino acid sequence of the COL7A1 protein. It affects a nucleotide within the consensus splice site. This variant is not present in population databases (gnomAD no frequency). This variant has not been reported in the literature in individuals affected with COL7A1-related conditions. Algorithms developed to predict the effect of sequence changes on RNA splicing suggest that this variant is not likely to affect RNA splicing. In summary, the available evidence is currently insufficient to determine the role of this variant in disease. Therefore, it has been classified as a Variant of Uncertain Significance.

NM_000094.4(COL7A1):c.3549T>C (p.Ser1183=)

Gene: COL7A1 (collagen type VII alpha 1 chain; minus strand). Cytogenetic location: 3p21.31.
Variant type: single nucleotide variant.
Coding change: c.3549T>C on transcript NM_000094.4 (MANE Select); coding-DNA position 3549, T replaced by C.
Protein change: p.Ser1183=; no amino-acid change (serine 1183 retained).
Molecular consequence: synonymous variant.
Genome position (GRCh38, 1-based): chr3:48,586,333, A>G on the plus strand (T>C on the coding strand, the complement: COL7A1 is on the minus strand). VCF-style: chr3-48586333-A-G. GRCh37 (hg19) VCF-style: chr3-48623766-A-G.
Identifiers: ClinVar variation 1952018 (VCV001952018.2), dbSNP rs2045257255, ClinGen allele CA433617376.